The following is an entry in ClinVar:

NM_000037.4(ANK1):c.5299G>A (p.Glu1767Lys)

Gene: ANK1 (ankyrin 1; minus strand). Cytogenetic location: 8p11.21.
Variant type: single nucleotide variant.
Coding change: c.5299G>A on transcript NM_000037.4 (MANE Select); coding-DNA position 5299, G replaced by A.
Protein change: p.Glu1767Lys; replaces glutamic acid 1767 with lysine.
Molecular consequence: missense variant.
Genome position (GRCh38, 1-based): chr8:41,668,362, C>T on the plus strand (G>A on the coding strand, the complement: ANK1 is on the minus strand). VCF-style: chr8-41668362-C-T. GRCh37 (hg19) VCF-style: chr8-41525880-C-T.
Other names: c.5422G>A, p.Glu1808Lys (NM_001142446.2); c.5299G>A, p.Glu1767Lys (NM_020475.3, NM_020476.3); c.4813G>A, p.Glu1605Lys (NM_020477.3); short protein forms E1767K, E1808K, E1605K.
Identifiers: ClinVar variation 2749545 (VCV002749545.4), dbSNP rs149529557, ClinGen allele CA4727324.

ClinVar aggregate classification (germline): Uncertain significance. Review status: criteria provided, multiple submitters, no conflicts (2 of 4 stars). 2 submissions from 2 submitters: Uncertain significance (2). Last evaluated 2025-12-21.

Conditions:
Hereditary spherocytosis (SPH). Also called: Congenital spherocytic hemolytic anemia; Congenital spherocytosis. Identifiers: Orphanet 822, MedGen C0037889, MONDO:0019350. Disease mechanism: loss of function.

Allele frequency attached by ClinVar (database versions not stated): ESP Exome Variant Server 0.00031; gnomAD exomes 0.00008; ExAC 0.00005; TOPMed 0.00010; gnomAD 0.00009.
gnomAD v4.1: 132 of 1,614,120 alleles (0.0082%); highest among the groups gnomAD compares: Non-Finnish European, 0.011%; no homozygotes.

Submissions (2):

Labcorp Genetics (formerly Invitae), Labcorp
Classification: Uncertain significance. Last evaluated: 2025-12-21. Review status: criteria provided, single submitter. Criteria: Invitae Variant Classification Sherloc (09022015). Collection method: clinical testing. Allele origin: germline.
Comment: This sequence change replaces glutamic acid, which is acidic and polar, with lysine, which is basic and polar, at codon 1767 of the ANK1 protein (p.Glu1767Lys). This variant is present in population databases (rs149529557, gnomAD 0.01%). This variant has not been reported in the literature in individuals affected with ANK1-related conditions. ClinVar contains an entry for this variant (Variation ID: 2749545). An algorithm developed to predict the effect of missense changes on protein structure and function outputs the following: PolyPhen-2: "Benign". The lysine amino acid residue is found in multiple mammalian species, which suggests that this missense change does not adversely affect protein function. In summary, the available evidence is currently insufficient to determine the role of this variant in disease. Therefore, it has been classified as a Variant of Uncertain Significance.

Department of Pathology and Laboratory Medicine, Sinai Health System
Classification: Uncertain significance for hereditary spherocytosis. Last evaluated: 2023-11-26. Review status: criteria provided, single submitter. Criteria: ACMG Guidelines, 2015. Collection method: research. Allele origin: germline.